The following is an entry in ClinVar:

ClinVar aggregate classification (germline): Conflicting classifications of pathogenicity. Review status: criteria provided, conflicting classifications (1 of 4 stars). 2 submissions from 2 submitters: Uncertain significance (1); Likely benign (1). Last evaluated 2024-12-17.

Conditions:
Fibrous dysplasia of jaw (CRBM). Also called: Cherubism. Identifiers: Orphanet 184, MedGen C0008029, MONDO:0007315, OMIM 118400.

Allele frequency attached by ClinVar (database versions not stated): gnomAD exomes 0.00002 and 0.00005; ExAC 0.00007.
gnomAD v4.1: 34 of 1,614,164 alleles (0.0021%); highest among the groups gnomAD compares: South Asian, 0.033%; no homozygotes.

Submissions (2):

Women's Health and Genetics/Laboratory Corporation of America, LabCorp
Classification: Likely benign. Last evaluated: 2024-12-17. Review status: criteria provided, single submitter. Criteria: LabCorp Variant Classification Summary - May 2015. Collection method: clinical testing. Allele origin: germline.
Comment: Variant summary: SH3BP2 c.32C>T (p.Pro11Leu) results in a non-conservative amino acid change in the encoded protein sequence. Five of five in-silico tools predict a damaging effect of the variant on protein function. The variant allele was found at a frequency of 5.2e-05 in 251438 control chromosomes. The observed variant frequency is approximately 51.7 fold of the estimated maximal expected allele frequency for a pathogenic variant in SH3BP2 causing Fibrous dysplasia of jaw phenotype (1e-06). To our knowledge, no occurrence of c.32C>T in individuals affected with Fibrous dysplasia of jaw and no experimental evidence demonstrating its impact on protein function have been reported. ClinVar contains an entry for this variant (Variation ID: 1370004). Based on the evidence outlined above, the variant was classified as likely benign.

Labcorp Genetics (formerly Invitae), Labcorp
Classification: Uncertain significance for Fibrous dysplasia of jaw. Last evaluated: 2024-08-15. Review status: criteria provided, single submitter. Criteria: Invitae Variant Classification Sherloc (09022015). Collection method: clinical testing. Allele origin: germline.
Comment: This sequence change replaces proline, which is neutral and non-polar, with leucine, which is neutral and non-polar, at codon 11 of the SH3BP2 protein (p.Pro11Leu). This variant is present in population databases (rs751798471, gnomAD 0.04%), and has an allele count higher than expected for a pathogenic variant. This variant has not been reported in the literature in individuals affected with SH3BP2-related conditions. ClinVar contains an entry for this variant (Variation ID: 1370004). Invitae Evidence Modeling of protein sequence and biophysical properties (such as structural, functional, and spatial information, amino acid conservation, physicochemical variation, residue mobility, and thermodynamic stability) indicates that this missense variant is not expected to disrupt SH3BP2 protein function with a negative predictive value of 80%. In summary, the available evidence is currently insufficient to determine the role of this variant in disease. Therefore, it has been classified as a Variant of Uncertain Significance.

NM_001122681.2(SH3BP2):c.32C>T (p.Pro11Leu)

Gene: SH3BP2 (SH3 domain binding protein 2; plus strand). Cytogenetic location: 4p16.3.
Variant type: single nucleotide variant.
Coding change: c.32C>T on transcript NM_001122681.2 (MANE Select); coding-DNA position 32, C replaced by T.
Protein change: p.Pro11Leu; replaces proline 11 with leucine.
Molecular consequence: missense variant.
Genome position (GRCh38, 1-based): chr4:2,820,649, C>T. VCF-style: chr4-2820649-C-T. GRCh37 (hg19) VCF-style: chr4-2822376-C-T.
Other names: c.116C>T, p.Pro39Leu (NM_001145855.2); c.203C>T, p.Pro68Leu (NM_001145856.2); c.32C>T, p.Pro11Leu (NM_003023.4); short protein forms P39L, P68L, P11L.
Identifiers: ClinVar variation 1370004 (VCV001370004.9), dbSNP rs751798471, ClinGen allele CA2818884.